The following is an entry in ClinVar:

ClinVar aggregate classification (germline): Uncertain significance. Review status: criteria provided, multiple submitters, no conflicts (2 of 4 stars). 2 submissions from 2 submitters: Uncertain significance (2). Last evaluated 2025-06-24.

Conditions:
Cardiovascular phenotype. Identifiers: MedGen CN230736.
RASopathy. Also called: rasopathies; Noonan spectrum disorder. Identifiers: Orphanet 536391, MedGen C5555857, MONDO:0021060.

Allele frequency attached by ClinVar (database versions not stated): gnomAD exomes below 0.00001 and 0.00001; gnomAD 0.00001; ExAC 0.00002.
gnomAD v4.1: 3 of 1,614,050 alleles (0.00019%); highest among the groups gnomAD compares: African/African-American, 0.0013%; no homozygotes.

Submissions (2):

Labcorp Genetics (formerly Invitae), Labcorp
Classification: Uncertain significance for RASopathy. Last evaluated: 2025-06-24. Review status: criteria provided, single submitter. Criteria: Invitae Variant Classification Sherloc (09022015). Collection method: clinical testing. Allele origin: germline.
Comment: This sequence change replaces tryptophan, which is neutral and slightly polar, with cysteine, which is neutral and slightly polar, at codon 305 of the RAF1 protein (p.Trp305Cys). This variant is present in population databases (rs774670909, gnomAD 0.003%). This variant has not been reported in the literature in individuals affected with RAF1-related conditions. ClinVar contains an entry for this variant (Variation ID: 1062286). Invitae Evidence Modeling incorporating data from in vitro experimental studies (internal data) indicates that this missense variant is not expected to disrupt RAF1 function with a negative predictive value of 80%. In summary, the available evidence is currently insufficient to determine the role of this variant in disease. Therefore, it has been classified as a Variant of Uncertain Significance.

Ambry Genetics
Classification: Uncertain significance for Cardiovascular phenotype. Last evaluated: 2022-07-27. Review status: criteria provided, single submitter. Criteria: Ambry Variant Classification Scheme 2023. Collection method: clinical testing. Allele origin: germline.
Comment: The p.W305C variant (also known as c.915G>T), located in coding exon 8 of the RAF1 gene, results from a G to T substitution at nucleotide position 915. The tryptophan at codon 305 is replaced by cysteine, an amino acid with highly dissimilar properties. This amino acid position is conserved. In addition, this alteration is predicted to be deleterious by in silico analysis. Since supporting evidence is limited at this time, the clinical significance of this alteration remains unclear.

NM_002880.4(RAF1):c.915G>T (p.Trp305Cys)

Gene: RAF1 (Raf-1 proto-oncogene, serine/threonine kinase; minus strand). Cytogenetic location: 3p25.2.
Variant type: single nucleotide variant.
Coding change: c.915G>T on transcript NM_002880.4 (MANE Select); coding-DNA position 915, G replaced by T.
Protein change: p.Trp305Cys; replaces tryptophan 305 with cysteine.
Molecular consequence: missense variant. On other transcripts: non-coding transcript variant (3).
Genome position (GRCh38, 1-based): chr3:12,600,227, C>A on the plus strand (G>T on the coding strand, the complement: RAF1 is on the minus strand). VCF-style: chr3-12600227-C-A. GRCh37 (hg19) VCF-style: chr3-12641726-C-A.
Other names: c.975G>T, p.Trp325Cys (NM_001354689.3); c.915G>T, p.Trp305Cys (NM_001354690.3); c.672G>T, p.Trp224Cys (NM_001354691.3, NM_001354692.3); c.816G>T, p.Trp272Cys (NM_001354693.3); c.732G>T, p.Trp244Cys (NM_001354694.3); c.573G>T, p.Trp191Cys (NM_001354695.3); short protein forms W191C, W224C, W244C, W272C, W305C, W325C.
Identifiers: ClinVar variation 1062286 (VCV001062286.11), dbSNP rs774670909, ClinGen allele CA2259630.